The following is an entry in ClinVar:

NM_001377.3(DYNC2H1):c.739C>T (p.Arg247Ter)

Gene: DYNC2H1 (dynein cytoplasmic 2 heavy chain 1; plus strand). Cytogenetic location: 11q22.3.
Variant type: single nucleotide variant.
Coding change: c.739C>T on transcript NM_001377.3 (MANE Select); coding-DNA position 739, C replaced by T.
Protein change: p.Arg247Ter; replaces arginine 247 with a stop codon.
Molecular consequence: nonsense.
Genome position (GRCh38, 1-based): chr11:103,116,687, C>T. VCF-style: chr11-103116687-C-T. GRCh37 (hg19) VCF-style: chr11-102987416-C-T.
Other names: c.739C>T, p.Arg247Ter (NM_001080463.2); short protein forms R247*.
Identifiers: ClinVar variation 620383 (VCV000620383.7), dbSNP rs561778796, ClinGen allele CA6252577.

ClinVar aggregate classification (germline): Pathogenic/Likely pathogenic. Review status: criteria provided, multiple submitters, no conflicts (2 of 4 stars). 5 submissions from 5 submitters: Pathogenic (2); Likely pathogenic (2). 1 of the submissions does not count toward it. Last evaluated 2025-11-15.

Conditions:
Asphyxiating thoracic dystrophy 3. Also called: Saldino-Noonan Syndrome; SHORT-RIB THORACIC DYSPLASIA 3 WITH OR WITHOUT POLYDACTYLY; POLYDACTYLY WITH NEONATAL CHONDRODYSTROPHY, TYPE I; SHORT-RIB THORACIC DYSPLASIA 3/6 WITH POLYDACTYLY, DIGENIC; Short rib polydactyly syndrome 2B. Identifiers: Orphanet 474, Orphanet 93269, Orphanet 93270, Orphanet 93271, MedGen C0036069, MONDO:0013127, OMIM 613091.
DYNC2H1-related disorder. Also called: DYNC2H1-related condition; DYNC2H1-related disorders. Identifiers: MedGen CN378770.
Jeune thoracic dystrophy. Also called: Short-rib thoracic dysplasia; Jeune syndrome; Infantile thoracic dystrophy; Thoracic pelvic phalangeal dystrophy; Jeune's syndrome; Chondroectodermal dysplasia-like syndrome. Identifiers: Orphanet 474, MedGen C0265275, MONDO:0018770.

Allele frequency attached by ClinVar (database versions not stated): gnomAD 0.00002 and 0.00001; 1000 Genomes Project 30x 0.00016; gnomAD exomes 0.00001 and 0.00002; TOPMed 0.00002; ExAC 0.00003; 1000 Genomes Project 0.00020.

Submissions (5):

Labcorp Genetics (formerly Invitae), Labcorp
Classification: Pathogenic for Jeune thoracic dystrophy. Last evaluated: 2025-11-15. Review status: criteria provided, single submitter. Criteria: Invitae Variant Classification Sherloc (09022015). Collection method: clinical testing. Allele origin: germline.
Comment: This sequence change creates a premature translational stop signal (p.Arg247*) in the DYNC2H1 gene. It is expected to result in an absent or disrupted protein product. Loss-of-function variants in DYNC2H1 are known to be pathogenic (PMID: 23339108, 32753734, 33755199). This variant is present in population databases (rs561778796, gnomAD 0.004%). This variant has not been reported in the literature in individuals affected with DYNC2H1-related conditions. ClinVar contains an entry for this variant (Variation ID: 620383). Algorithms developed to predict the effect of sequence changes on RNA splicing suggest that this variant may disrupt the consensus splice site. For these reasons, this variant has been classified as Pathogenic.

Myriad Genetics, Inc.
Classification: Pathogenic for Asphyxiating thoracic dystrophy 3. Last evaluated: 2024-07-18. Review status: criteria provided, single submitter. Criteria: Myriad Autosomal Dominant, Autosomal Recessive and X-Linked Classification Criteria (2023). Collection method: clinical testing. Allele origin: unknown.
Comment: NM_001377.2(DYNC2H1):c.739C>T(R247*) is expected to be pathogenic in the context of DYNC2H1-related disorders. This variant is predicted to lead to an abnormal or absent protein product due to the creation of a premature termination codon in DYNC2H1, a gene where loss-of-function variants are known to be pathogenic. Please note: this variant was assessed in the context of healthy population screening.

Fulgent Genetics
Classification: Likely pathogenic for Asphyxiating thoracic dystrophy 3. Last evaluated: 2024-02-20. Review status: criteria provided, single submitter. Criteria: ACMG Guidelines, 2015. Collection method: clinical testing. Allele origin: germline.

GeneDx
Classification: Likely pathogenic. Last evaluated: 2018-10-03. Review status: criteria provided, single submitter. Criteria: GeneDx Variant Classification (06012015). Collection method: clinical testing. Allele origin: germline. Affected: yes.
Comment: The R247X variant in the DYNC2H1 gene has not been reported previously as a pathogenic variant nor as a benign variant, to our knowledge. This variant is predicted to cause loss of normal protein function either through protein truncation or nonsense-mediated mRNA decay. The R247X variant is not observed at a significant frequency in large population cohorts (Lek et al., 2016). We interpret R247X as a likely pathogenic variant.

PreventionGenetics, part of Exact Sciences
Classification: Likely pathogenic for DYNC2H1-related condition. Last evaluated: 2024-08-08. Review status: no assertion criteria provided. Collection method: clinical testing. Allele origin: germline. Not counted in ClinVar's aggregate classification.
Comment: The DYNC2H1 c.739C>T variant is predicted to result in premature protein termination (p.Arg247*). To our knowledge, this variant has not been reported in the literature. This variant is reported in 0.0036% of alleles in individuals of European (Non-Finnish) descent in gnomAD. Nonsense variants in DYNC2H1 are expected to be pathogenic. This variant is interpreted as likely pathogenic.

Literature cited by the submitters: PubMed 23339108 (cited by Labcorp Genetics (formerly Invitae), Labcorp); PubMed 32753734 (cited by Labcorp Genetics (formerly Invitae), Labcorp); PubMed 33755199 (cited by Labcorp Genetics (formerly Invitae), Labcorp).